The following is an entry in ClinVar:

NM_016341.4(PLCE1):c.5396C>T (p.Pro1799Leu)

Gene: PLCE1 (phospholipase C epsilon 1; plus strand). Cytogenetic location: 10q23.33.
Variant type: single nucleotide variant.
Coding change: c.5396C>T on transcript NM_016341.4 (MANE Select); coding-DNA position 5396, C replaced by T.
Protein change: p.Pro1799Leu; replaces proline 1799 with leucine.
Molecular consequence: missense variant.
Genome position (GRCh38, 1-based): chr10:94,298,607, C>T. VCF-style: chr10-94298607-C-T. GRCh37 (hg19) VCF-style: chr10-96058364-C-T.
Other names: c.4472C>T, p.Pro1491Leu (NM_001165979.2); c.5348C>T, p.Pro1783Leu (NM_001288989.2); short protein forms P1799L, P1491L, P1783L.
Identifiers: ClinVar variation 1982050 (VCV001982050.4), dbSNP rs1158131470, ClinGen allele CA377642137.

ClinVar aggregate classification (germline): Uncertain significance (1 of 4 stars; one submission).

Allele frequency attached by ClinVar (database versions not stated): TOPMed below 0.00001; gnomAD 0.00001; gnomAD exomes 0.00001.
gnomAD v4.1: 11 of 1,614,004 alleles (0.00068%); highest among the groups gnomAD compares: East Asian, 0.0022%; no homozygotes.

Submission:

Labcorp Genetics (formerly Invitae), Labcorp
Classification: Uncertain significance. Last evaluated: 2022-06-02. Review status: criteria provided, single submitter. Criteria: Invitae Variant Classification Sherloc (09022015). Collection method: clinical testing. Allele origin: germline.
Comment: This variant has not been reported in the literature in individuals affected with PLCE1-related conditions. In summary, the available evidence is currently insufficient to determine the role of this variant in disease. Therefore, it has been classified as a Variant of Uncertain Significance. Algorithms developed to predict the effect of missense changes on protein structure and function are either unavailable or do not agree on the potential impact of this missense change (SIFT: "Tolerated"; PolyPhen-2: "Probably Damaging"; Align-GVGD: "Class C0"). This variant is present in population databases (no rsID available, gnomAD 0.006%). This sequence change replaces proline, which is neutral and non-polar, with leucine, which is neutral and non-polar, at codon 1799 of the PLCE1 protein (p.Pro1799Leu).